The following is an entry in ClinVar:

ClinVar aggregate classification (germline): Uncertain significance (1 of 4 stars; one submission).

Conditions:
Primary ciliary dyskinesia. Also called: Ciliary dyskinesia. Identifiers: Orphanet 244, MedGen C0008780, MONDO:0016575, HP:0012265.

Submission:

Labcorp Genetics (formerly Invitae), Labcorp
Classification: Uncertain significance for Primary ciliary dyskinesia. Last evaluated: 2022-10-17. Review status: criteria provided, single submitter. Criteria: Invitae Variant Classification Sherloc (09022015). Collection method: clinical testing. Allele origin: germline.
Comment: In summary, the available evidence is currently insufficient to determine the role of this variant in disease. Therefore, it has been classified as a Variant of Uncertain Significance. Experimental studies and prediction algorithms are not available or were not evaluated, and the functional significance of this variant is currently unknown. This variant has not been reported in the literature in individuals affected with DNAAF5-related conditions. This variant results in a copy number gain of the genomic region encompassing exon(s) 1-4 of the DNAAF5 gene. This region includes the initiator codon of the gene. This copy number gain extends beyond the assayed region for this gene and therefore may encompass additional genes. As the precise location of this event is unknown, it may be in tandem or it may be located elsewhere in the genome.

NC_000007.13:g.(?_766358)_(781122_?)dup

Genes: DNAAF5 (dynein axonemal assembly factor 5; plus strand), PRKAR1B (protein kinase cAMP-dependent type I regulatory subunit beta; minus strand). Cytogenetic location: 7p22.3.
Variant type: Duplication.
Identifiers: ClinVar variation 2426357 (VCV002426357.12).